The following is an entry in ClinVar:

ClinVar aggregate classification (germline): Uncertain significance (1 of 4 stars; one submission).

Allele frequency attached by ClinVar (database versions not stated): ExAC 0.00001; gnomAD 0.00001; gnomAD exomes 0.00001 and 0.00002; TOPMed 0.00001.
gnomAD v4.1: 23 of 1,602,718 alleles (0.0014%); highest among the groups gnomAD compares: South Asian, 0.025%; 1 homozygote.

Submission:

Labcorp Genetics (formerly Invitae), Labcorp
Classification: Uncertain significance. Last evaluated: 2021-04-02. Review status: criteria provided, single submitter. Criteria: Invitae Variant Classification Sherloc (09022015). Collection method: clinical testing. Allele origin: germline.
Comment: In summary, the available evidence is currently insufficient to determine the role of this variant in disease. Therefore, it has been classified as a Variant of Uncertain Significance. Algorithms developed to predict the effect of sequence changes on RNA splicing suggest that this variant may create or strengthen a splice site, but this prediction has not been confirmed by published transcriptional studies. Algorithms developed to predict the effect of missense changes on protein structure and function are either unavailable or do not agree on the potential impact of this missense change (SIFT: "Deleterious"; PolyPhen-2: "Benign"; Align-GVGD: "Class C0"). This variant has not been reported in the literature in individuals with MPDZ-related conditions. This variant is present in population databases (rs762227915, ExAC 0.007%). This sequence change replaces leucine with valine at codon 1475 of the MPDZ protein (p.Leu1475Val). The leucine residue is highly conserved and there is a small physicochemical difference between leucine and valine.

NM_001378778.1(MPDZ):c.4423C>G (p.Leu1475Val)

Gene: MPDZ (multiple PDZ domain crumbs cell polarity complex component; minus strand). Cytogenetic location: 9p23.
Variant type: single nucleotide variant.
Coding change: c.4423C>G on transcript NM_001378778.1 (MANE Select); coding-DNA position 4423, C replaced by G.
Protein change: p.Leu1475Val; replaces leucine 1475 with valine.
Molecular consequence: missense variant.
Genome position (GRCh38, 1-based): chr9:13,133,865, G>C on the plus strand (C>G on the coding strand, the complement: MPDZ is on the minus strand). VCF-style: chr9-13133865-G-C. GRCh37 (hg19) VCF-style: chr9-13133864-G-C.
Other names: c.4324C>G, p.Leu1442Val (NM_001261406.2, NM_001261407.2, NM_001375416.1 and 3 more transcripts); c.4423C>G, p.Leu1475Val (NM_001330637.2, NM_003829.5); c.4522C>G, p.Leu1508Val (NM_001375413.1); c.4213C>G, p.Leu1405Val (NM_001375420.1, NM_001375421.1, NM_001375422.1 and 4 more transcripts); c.4015C>G, p.Leu1339Val (NM_001375427.1); short protein forms L1339V, L1405V, L1442V, L1475V, L1508V.
Identifiers: ClinVar variation 1478371 (VCV001478371.7), dbSNP rs762227915, ClinGen allele CA4986714.
Genomic context (GRCh38, chr9:13,133,865, plus strand): 5'-CAATTCAAAGCAGATTTACCTTGGGAAGCTCCAGATGTTGCACATTTTTAAATGAACTGA[G>C]GTCCACAGCTGCATCAGAAGTAGTAACAGTTGGCTCTGTCTGACAGAGGGAAAGAAATGA-3'
Protein context (NP_001365707.1, residues 1465-1485): TVTTSDAAVD[Leu1475Val]SSFKNVQHLE